The following is an entry in ClinVar:

ClinVar aggregate classification (germline): Uncertain significance (1 of 4 stars; one submission).

Conditions:
Fanconi anemia (FA). Also called: Fanconi's anemia. Identifiers: Orphanet 84, MedGen C0015625, MeSH D005199, MONDO:0019391.

Submission:

Labcorp Genetics (formerly Invitae), Labcorp
Classification: Uncertain significance for Fanconi anemia. Last evaluated: 2021-09-29. Review status: criteria provided, single submitter. Criteria: Invitae Variant Classification Sherloc (09022015). Collection method: clinical testing. Allele origin: germline.
Comment: In summary, the available evidence is currently insufficient to determine the role of this variant in disease. Therefore, it has been classified as a Variant of Uncertain Significance. Experimental studies and prediction algorithms are not available or were not evaluated, and the functional significance of this variant is currently unknown. This variant has not been reported in the literature in individuals affected with FANCM-related conditions. This variant is a gross deletion of the genomic region encompassing exon(s) 4-10 of the FANCM gene. This variant would be expected to be in-frame, preserving the integrity of the reading frame.

NC_000014.8:g.(?_45618030)_(45633778_?)del

Gene: FANCM (FA complementation group M; plus strand). Cytogenetic location: 14q21.2.
Variant type: Deletion.
Identifiers: ClinVar variation 1017411 (VCV001017411.5).